The following is an entry in ClinVar:

NM_139057.4(ADAMTS17):c.*113A>G

Gene: ADAMTS17 (ADAM metallopeptidase with thrombospondin type 1 motif 17; minus strand). Cytogenetic location: 15q26.3.
Variant type: single nucleotide variant.
Coding change: c.*113A>G on transcript NM_139057.4 (MANE Select); 113 bases downstream of the stop codon, A replaced by G.
Molecular consequence: 3 prime UTR variant.
Genome position (GRCh38, 1-based): chr15:99,974,289, T>C on the plus strand (A>G on the coding strand, the complement: ADAMTS17 is on the minus strand). VCF-style: chr15-99974289-T-C. GRCh37 (hg19) VCF-style: chr15-100514494-T-C.
Identifiers: ClinVar variation 315243 (VCV000315243.7), dbSNP rs2581341, ClinGen allele CA10646908.

ClinVar aggregate classification (germline): Benign. Review status: criteria provided, multiple submitters, no conflicts (2 of 4 stars). 3 submissions from 3 submitters: Benign (3). Last evaluated 2019-04-16.

Conditions:
Weill-Marchesani 4 syndrome, recessive. Also called: Weill-Marchesani syndrome 4. Identifiers: Orphanet 363992, MedGen C2750787, MONDO:0013176, OMIM 613195.

Allele frequency attached by ClinVar (database versions not stated): 1000 Genomes Project 0.59006; 1000 Genomes Project 30x 0.59572; TOPMed 0.62396; gnomAD 0.63857 and 0.64262; gnomAD exomes 0.64655.
gnomAD v4.1: 872,695 of 1,352,716 alleles (65%); highest among the groups gnomAD compares: Non-Finnish European, 66%; 283,865 homozygotes.

Submissions (3):

GeneDx
Classification: Benign. Last evaluated: 2019-04-16. Review status: criteria provided, single submitter. Criteria: GeneDx Variant Classification Process June 2021. Collection method: clinical testing. Allele origin: germline. Affected: yes.

Illumina Laboratory Services, Illumina
Classification: Benign for Weill-Marchesani 4 syndrome, recessive. Last evaluated: 2018-01-13. Review status: criteria provided, single submitter. Criteria: ICSL Variant Classification Criteria 13 December 2019. Collection method: clinical testing. Allele origin: germline.
Comment: This variant was observed in the ICSL laboratory as part of a predisposition screen in an ostensibly healthy population. It had not been previously curated by ICSL or reported in the Human Gene Mutation Database (HGMD: prior to June 1st, 2018), and was therefore a candidate for classification through an automated scoring system. Utilizing variant allele frequency, disease prevalence and penetrance estimates, and inheritance mode, an automated score was calculated to assess if this variant is too frequent to cause the disease. Based on the score and internal cut-off values, a variant classified as benign is not then subjected to further curation. The score for this variant resulted in a classification of benign for this disease.

Breakthrough Genomics
Classification: Benign. Review status: criteria provided, single submitter. Criteria: ACMG Guidelines, 2015. Collection method: not provided. Allele origin: germline. Inheritance: Autosomal recessive inheritance. Affected: yes.